The following is an entry in ClinVar:

ClinVar aggregate classification (germline): Conflicting classifications of pathogenicity. Review status: criteria provided, conflicting classifications (1 of 4 stars). 5 submissions from 5 submitters: Uncertain significance (2); Likely benign (2). 1 of the submissions does not count toward it. Last evaluated 2025-06-06.

Conditions:
Hereditary cancer-predisposing syndrome. Also called: Hereditary Cancer Syndrome; Neoplastic Syndromes, Hereditary; Tumor predisposition; Hereditary neoplastic syndrome. Identifiers: Orphanet 140162, MedGen C0027672, MeSH D009386, MONDO:0015356.
Breast-ovarian cancer, familial, susceptibility to, 2 (BROVCA2). Also called: BRCA2 Hereditary Breast and Ovarian Cancer. Identifiers: Orphanet 145, MedGen C2675520, MONDO:0012933, OMIM 612555. Disease mechanism: loss of function.
Hereditary breast ovarian cancer syndrome. Also called: Hereditary breast and/or ovarian cancer syndrome; BRCA1- and BRCA2-Associated Hereditary Breast and Ovarian Cancer; Hereditary breast and ovarian cancer syndrome (HBOC); Hereditary breast and ovarian cancer; Hereditary breast and ovarian cancer syndrome; Breast and ovarian cancer. Identifiers: Orphanet 145, MedGen C0677776, MeSH D061325, MONDO:0003582. Disease mechanism: loss of function.

Allele frequency attached by ClinVar (database versions not stated): gnomAD exomes below 0.00001 and 0.00001; TOPMed below 0.00001.
gnomAD v4.1: 7 of 1,611,660 alleles (0.00043%); highest among the groups gnomAD compares: Non-Finnish European, 0.00059%; no homozygotes.

Submissions (5):

Ambry Genetics
Classification: Uncertain significance for Hereditary cancer-predisposing syndrome. Last evaluated: 2025-06-06. Review status: criteria provided, single submitter. Criteria: Ambry Variant Classification Scheme 2023. Collection method: clinical testing. Allele origin: germline.
Comment: The p.C419R variant (also known as c.1255T>C), located in coding exon 9 of the BRCA2 gene, results from a T to C substitution at nucleotide position 1255. The cysteine at codon 419 is replaced by arginine, an amino acid with highly dissimilar properties. This alteration was identified in 1/715 Korean patients with breast cancer (Park KS et al. Genet. Med., 2016 12;18:1250-1257). This amino acid position is not well conserved in available vertebrate species. In addition, this alteration is predicted to be tolerated by in silico analysis. Based on the available evidence, the clinical significance of this variant remains unclear.

Color Diagnostics, LLC DBA Color Health
Classification: Uncertain significance for Hereditary cancer-predisposing syndrome. Last evaluated: 2025-06-04. Review status: criteria provided, single submitter. Criteria: ACMG Guidelines, 2015. Collection method: clinical testing. Allele origin: germline.
Comment: This missense variant replaces cysteine with arginine at codon 419 of the BRCA2 protein. Computational prediction suggests that this variant may not impact protein structure and function. To our knowledge, functional studies have not been reported for this variant. This variant has been detected in a breast cancer case-control meta-analysis in 1/60466 cases and 1/53461 unaffected individuals (PMID: 33471991Leiden Open Variation Database DB-ID BRCA2_007270). A multifactorial analysis has reported a likelihood ratio for pathogenicity based on personal and family history of 0.684 from log(LR)=-0.164962173 for one carrier (PMID: 31853058). This variant has been identified in 1/248052 chromosomes in the general population by the Genome Aggregation Database (gnomAD). The available evidence is insufficient to determine the role of this variant in disease conclusively. Therefore, this variant is classified as a Variant of Uncertain Significance.

University of Washington Department of Laboratory Medicine, University of Washington
Classification: Likely benign for Hereditary cancer-predisposing syndrome. Last evaluated: 2023-03-23. Review status: criteria provided, single submitter. Criteria: Dines et al. (Genet Med. 2020). Collection method: curation. Allele origin: germline.
Comment: Missense variant in a coldspot region where missense variants are very unlikely to be pathogenic (PMID:31911673).

BRCA2 exon 10 coldspot. Reclassification based on statistical prior probability.

Labcorp Genetics (formerly Invitae), Labcorp
Classification: Likely benign for Hereditary breast ovarian cancer syndrome. Last evaluated: 2022-09-01. Review status: criteria provided, single submitter. Criteria: Invitae Variant Classification Sherloc (09022015). Collection method: clinical testing. Allele origin: germline.

Department of Pathology and Laboratory Medicine, Sinai Health System
Classification: Uncertain significance for Breast-ovarian cancer, familial, susceptibility to, 2. Review status: no assertion criteria provided. Collection method: clinical testing. Allele origin: unknown. Affected: yes. Study: The Canadian Open Genetics Repository (COGR). Not counted in ClinVar's aggregate classification.
Comment: The BRCA2 p.Cys419Arg variant was not identified in the literature, nor was it identified in the dbSNP, NHLBI Exome Sequencing Project (Exome Variant Server), Exome Aggregation Consortium (ExAC), HGMD, LOVD, COSMIC, ClinVar, GeneInsight VariantWire, BIC or UMD databases. The variant occurs outside of the splicing consensus sequence and five in silico or computational prediction software programs (SpliceSiteFinder, MaxEntScan, NNSPLICE, GeneSplicer, HumanSpliceFinder) do not predict a difference in splicing. The p.Cys419 residue is not conserved in mammals and four out of five computational analyses (PolyPhen-2, SIFT, AlignGVGD, BLOSUM, MutationTaster) do not suggest a high likelihood of impact to the protein. However, this information is not predictive enough to rule out pathogenicity. In summary, based on the above information, the clinical significance of this variant cannot be determined with certainty at this time. This variant is classified as a variant of unknown significance.

Literature cited by the submitters: PubMed 27124784 (cited by Ambry Genetics); PubMed 31853058 (cited by Color Diagnostics, LLC DBA Color Health); PubMed 33471991 (cited by Color Diagnostics, LLC DBA Color Health).

NM_000059.4(BRCA2):c.1255T>C (p.Cys419Arg)

Gene: BRCA2 (BRCA2 DNA repair associated; plus strand). Cytogenetic location: 13q13.1.
Variant type: single nucleotide variant.
Coding change: c.1255T>C on transcript NM_000059.4 (MANE Select); coding-DNA position 1255, T replaced by C.
Protein change: p.Cys419Arg; replaces cysteine 419 with arginine.
Molecular consequence: missense variant.
Genome position (GRCh38, 1-based): chr13:32,332,733, T>C. VCF-style: chr13-32332733-T-C. GRCh37 (hg19) VCF-style: chr13-32906870-T-C.
Other names: short protein forms C419R.
Identifiers: ClinVar variation 230898 (VCV000230898.21), dbSNP rs876658829, ClinGen allele CA10579490.